The following is an entry in ClinVar:

NM_130468.4(CHST14):c.501G>C (p.Lys167Asn)

Gene: CHST14 (carbohydrate sulfotransferase 14; plus strand). Cytogenetic location: 15q15.1.
Variant type: single nucleotide variant.
Coding change: c.501G>C on transcript NM_130468.4 (MANE Select); coding-DNA position 501, G replaced by C.
Protein change: p.Lys167Asn; replaces lysine 167 with asparagine.
Molecular consequence: missense variant.
Genome position (GRCh38, 1-based): chr15:40,471,714, G>C. VCF-style: chr15-40471714-G-C. GRCh37 (hg19) VCF-style: chr15-40763913-G-C.
Other names: short protein forms K167N.
Identifiers: ClinVar variation 1521246 (VCV001521246.6), dbSNP rs763410236, ClinGen allele CA7481604.

ClinVar aggregate classification (germline): Uncertain significance (1 of 4 stars; one submission).

Conditions:
Ehlers-Danlos syndrome, musculocontractural type (EDSMC). Also called: ARTHROGRYPOSIS, DISTAL, WITH PECULIAR FACIES AND HYDRONEPHROSIS; Adducted thumb, clubfoot, progressive joint and skin laxity syndrome; DUNDAR SYNDROME; ADDUCTED THUMB-CLUBFOOT SYNDROME. Identifiers: Orphanet 2953, MedGen C1866294, MONDO:0011142.

Allele frequency attached by ClinVar (database versions not stated): gnomAD exomes 0.00002; ExAC 0.00004.
gnomAD v4.1: 8 of 1,613,606 alleles (0.0005%); highest among the groups gnomAD compares: South Asian, 0.0088%; no homozygotes.

Submission:

Labcorp Genetics (formerly Invitae), Labcorp
Classification: Uncertain significance for Ehlers-Danlos syndrome, musculocontractural type. Last evaluated: 2020-12-23. Review status: criteria provided, single submitter. Criteria: Invitae Variant Classification Sherloc (09022015). Collection method: clinical testing. Allele origin: germline.
Comment: In summary, the available evidence is currently insufficient to determine the role of this variant in disease. Therefore, it has been classified as a Variant of Uncertain Significance. Algorithms developed to predict the effect of missense changes on protein structure and function are either unavailable or do not agree on the potential impact of this missense change (SIFT: "Tolerated"; PolyPhen-2: "Probably Damaging"; Align-GVGD: "Class C15"). This variant has not been reported in the literature in individuals with CHST14-related conditions. This variant is present in population databases (rs763410236, ExAC 0.03%). This sequence change replaces lysine with asparagine at codon 167 of the CHST14 protein (p.Lys167Asn). The lysine residue is highly conserved and there is a moderate physicochemical difference between lysine and asparagine.